The following is an entry in ClinVar:

ClinVar aggregate classification (germline): Uncertain significance. Review status: criteria provided, multiple submitters, no conflicts (2 of 4 stars). 2 submissions from 2 submitters: Uncertain significance (2). Last evaluated 2025-01-19.

Conditions:
Hereditary cancer-predisposing syndrome. Also called: Hereditary Cancer Syndrome; Hereditary neoplastic syndrome; Tumor predisposition; Neoplastic Syndromes, Hereditary. Identifiers: Orphanet 140162, MedGen C0027672, MeSH D009386, MONDO:0015356.
Renal cell carcinoma. Identifiers: Orphanet 217071, MedGen C0007134, MeSH D002292, MONDO:0005086, HP:0005584.

Submissions (2):

Labcorp Genetics (formerly Invitae), Labcorp
Classification: Uncertain significance for Renal cell carcinoma. Last evaluated: 2025-01-19. Review status: criteria provided, single submitter. Criteria: Invitae Variant Classification Sherloc (09022015). Collection method: clinical testing. Allele origin: germline.
Comment: This sequence change replaces alanine, which is neutral and non-polar, with serine, which is neutral and polar, at codon 364 of the MET protein (p.Ala364Ser). This variant is not present in population databases (gnomAD no frequency). This variant has not been reported in the literature in individuals affected with MET-related conditions. ClinVar contains an entry for this variant (Variation ID: 1789287). Invitae Evidence Modeling of protein sequence and biophysical properties (such as structural, functional, and spatial information, amino acid conservation, physicochemical variation, residue mobility, and thermodynamic stability) indicates that this missense variant is expected to disrupt MET protein function with a positive predictive value of 80%. In summary, the available evidence is currently insufficient to determine the role of this variant in disease. Therefore, it has been classified as a Variant of Uncertain Significance.

Ambry Genetics
Classification: Uncertain significance for Hereditary cancer-predisposing syndrome. Last evaluated: 2022-01-12. Review status: criteria provided, single submitter. Criteria: Ambry Variant Classification Scheme 2023. Collection method: clinical testing. Allele origin: germline.
Comment: The p.A364S variant (also known as c.1090G>T), located in coding exon 1 of the MET gene, results from a G to T substitution at nucleotide position 1090. The alanine at codon 364 is replaced by serine, an amino acid with similar properties. This amino acid position is highly conserved in available vertebrate species. In addition, this alteration is predicted to be tolerated by in silico analysis. Since supporting evidence is limited at this time, the clinical significance of this alteration remains unclear.

NM_000245.4(MET):c.1090G>T (p.Ala364Ser)

Gene: MET (MET proto-oncogene, receptor tyrosine kinase; plus strand). Cytogenetic location: 7q31.2.
Variant type: single nucleotide variant.
Coding change: c.1090G>T on transcript NM_000245.4 (MANE Select); coding-DNA position 1090, G replaced by T.
Protein change: p.Ala364Ser; replaces alanine 364 with serine.
Molecular consequence: missense variant. On other transcripts: intron variant (1).
Genome position (GRCh38, 1-based): chr7:116,700,174, G>T. VCF-style: chr7-116700174-G-T. GRCh37 (hg19) VCF-style: chr7-116340228-G-T.
Other names: c.1090G>T, p.Ala364Ser (NM_001127500.3, NM_001324401.3); c.-91+27597G>T (NM_001324402.2); short protein forms A364S.
Identifiers: ClinVar variation 1789287 (VCV001789287.4), dbSNP rs200016433, ClinGen allele CA368970513.